The following is an entry in ClinVar:

NM_152384.3(BBS5):c.332C>T (p.Thr111Ile)

Gene: BBS5 (Bardet-Biedl syndrome 5; plus strand). Cytogenetic location: 2q31.1.
Variant type: single nucleotide variant.
Coding change: c.332C>T on transcript NM_152384.3 (MANE Select); coding-DNA position 332, C replaced by T.
Protein change: p.Thr111Ile; replaces threonine 111 with isoleucine.
Molecular consequence: missense variant.
Genome position (GRCh38, 1-based): chr2:169,488,060, C>T. VCF-style: chr2-169488060-C-T. GRCh37 (hg19) VCF-style: chr2-170344570-C-T.
Other names: c.332C>T (NM_152384.2); short protein forms T111I.
Identifiers: ClinVar variation 1015407 (VCV001015407.13), dbSNP rs375992092, ClinGen allele CA1956186.

ClinVar aggregate classification (germline): Uncertain significance. Review status: criteria provided, multiple submitters, no conflicts (2 of 4 stars). 5 submissions from 5 submitters: Uncertain significance (5). Last evaluated 2026-03-10.

Conditions:
BBS5-related disorder. Also called: BBS5-related condition.
Inborn genetic diseases. Identifiers: MedGen C0950123, MeSH D030342.
Bardet-Biedl syndrome (BBS). Identifiers: Orphanet 110, MedGen C0752166, MONDO:0015229.
Bardet-Biedl syndrome 5 (BBS5). Identifiers: Orphanet 110, MedGen C3892039, MONDO:0014434, OMIM 615983.

Allele frequency attached by ClinVar (database versions not stated): gnomAD exomes below 0.00001; TOPMed below 0.00001; ExAC 0.00001; gnomAD 0.00001; ESP Exome Variant Server 0.00008.
gnomAD v4.1: 4 of 1,612,990 alleles (0.00025%); highest among the groups gnomAD compares: Admixed American, 0.005%; no homozygotes.

Submissions (5):

PreventionGenetics, part of Exact Sciences
Classification: Uncertain significance for BBS5-related condition. Last evaluated: 2026-03-10. Review status: criteria provided, single submitter. Criteria: ACMG Guidelines, 2015. Collection method: clinical testing. Allele origin: germline.
Comment: The BBS5 c.332C>T variant is predicted to result in the amino acid substitution p.Thr111Ile. To our knowledge, this variant has not been reported in the literature. This variant is reported in 0.011% of alleles in individuals of African descent in gnomAD. At this time, the clinical significance of this variant is uncertain due to the absence of conclusive functional and genetic evidence.

Ambry Genetics
Classification: Uncertain significance for Inborn genetic diseases. Last evaluated: 2025-01-18. Review status: criteria provided, single submitter. Criteria: Ambry Variant Classification Scheme 2023. Collection method: clinical testing. Allele origin: germline.

Labcorp Genetics (formerly Invitae), Labcorp
Classification: Uncertain significance for Bardet-Biedl syndrome. Last evaluated: 2024-07-26. Review status: criteria provided, single submitter. Criteria: Invitae Variant Classification Sherloc (09022015). Collection method: clinical testing. Allele origin: germline.
Comment: This sequence change replaces threonine, which is neutral and polar, with isoleucine, which is neutral and non-polar, at codon 111 of the BBS5 protein (p.Thr111Ile). This variant is present in population databases (rs375992092, gnomAD 0.008%). This variant has not been reported in the literature in individuals affected with BBS5-related conditions. ClinVar contains an entry for this variant (Variation ID: 1015407). Advanced modeling of protein sequence and biophysical properties (such as structural, functional, and spatial information, amino acid conservation, physicochemical variation, residue mobility, and thermodynamic stability) has been performed at Invitae for this missense variant, however the output from this modeling did not meet the statistical confidence thresholds required to predict the impact of this variant on BBS5 protein function. In summary, the available evidence is currently insufficient to determine the role of this variant in disease. Therefore, it has been classified as a Variant of Uncertain Significance.

Blueprint Genetics
Classification: Uncertain significance. Last evaluated: 2022-03-28. Review status: criteria provided, single submitter. Criteria: ACMG Guidelines, 2015. Collection method: clinical testing. Allele origin: germline.

Fulgent Genetics
Classification: Uncertain significance for Bardet-Biedl syndrome 5. Last evaluated: 2021-10-02. Review status: criteria provided, single submitter. Criteria: ACMG Guidelines, 2015. Collection method: clinical testing. Allele origin: unknown.